The following is an entry in ClinVar:

NM_001042492.3(NF1):c.3457C>T (p.Leu1153Phe)

Gene: NF1 (neurofibromin 1; plus strand). Cytogenetic location: 17q11.2.
Variant type: single nucleotide variant.
Coding change: c.3457C>T on transcript NM_001042492.3 (MANE Select); coding-DNA position 3457, C replaced by T.
Protein change: p.Leu1153Phe; replaces leucine 1153 with phenylalanine.
Molecular consequence: missense variant.
Genome position (GRCh38, 1-based): chr17:31,232,842, C>T. VCF-style: chr17-31232842-C-T. GRCh37 (hg19) VCF-style: chr17-29559860-C-T.
Other names: c.3457C>T, p.Leu1153Phe (NM_000267.4); short protein forms L1153F.
Identifiers: ClinVar variation 1318501 (VCV001318501.4), dbSNP rs2151434781, ClinGen allele CA398989351.
Genomic context (GRCh38, chr17:31,232,842, plus strand): 5'-GGCATGTCTCGGAGGCTGGCATCACTGAGGCACTGTACGGTCCTTGCAATGTCAAACTTA[C>T]TCAATGCCAACGTAGACAGTGGTCTCATGCACTCCATAGGTGAGATCAAATGAAAGTTTC-3'
Protein context (NP_001035957.1, residues 1143-1163): HCTVLAMSNL[Leu1153Phe]NANVDSGLMH

ClinVar aggregate classification (germline): Uncertain significance. Review status: criteria provided, multiple submitters, no conflicts (2 of 4 stars). 2 submissions from 2 submitters: Uncertain significance (2). Last evaluated 2021-07-04.

Conditions:
Hereditary cancer-predisposing syndrome. Also called: Hereditary neoplastic syndrome; Neoplastic Syndromes, Hereditary; Tumor predisposition; Hereditary Cancer Syndrome. Identifiers: Orphanet 140162, MedGen C0027672, MeSH D009386, MONDO:0015356.
Cardiovascular phenotype. Identifiers: MedGen CN230736.

Submissions (2):

Ambry Genetics
Classification: Uncertain significance for Cardiovascular phenotype; Hereditary cancer-predisposing syndrome. Last evaluated: 2021-07-04. Review status: criteria provided, single submitter. Criteria: Ambry Variant Classification Scheme 2023. Collection method: clinical testing. Allele origin: germline.
Comment: The p.L1153F variant (also known as c.3457C>T), located in coding exon 26 of the NF1 gene, results from a C to T substitution at nucleotide position 3457. The leucine at codon 1153 is replaced by phenylalanine, an amino acid with highly similar properties. This amino acid position is highly conserved in available vertebrate species. In addition, this alteration is predicted to be deleterious by in silico analysis. Since supporting evidence is limited at this time, the clinical significance of this alteration remains unclear.

GeneDx
Classification: Uncertain significance. Last evaluated: 2020-03-17. Review status: criteria provided, single submitter. Criteria: GeneDx Variant Classification Process June 2021. Collection method: clinical testing. Allele origin: germline. Affected: yes.
Comment: Not observed in large population cohorts (Lek 2016); In silico analysis supports that this missense variant has a deleterious effect on protein structure/function; Has not been previously published as pathogenic or benign to our knowledge